The following is an entry in ClinVar:

NM_005534.4(IFNGR2):c.319A>G (p.Met107Val)

Gene: IFNGR2 (interferon gamma receptor 2; plus strand). Cytogenetic location: 21q22.11.
Variant type: single nucleotide variant.
Coding change: c.319A>G on transcript NM_005534.4 (MANE Select); coding-DNA position 319, A replaced by G.
Protein change: p.Met107Val; replaces methionine 107 with valine.
Molecular consequence: missense variant.
Genome position (GRCh38, 1-based): chr21:33,421,592, A>G. VCF-style: chr21-33421592-A-G. GRCh37 (hg19) VCF-style: chr21-34793899-A-G.
Other names: c.376A>G, p.Met126Val (NM_001329128.2); short protein forms M107V, M126V.
Identifiers: ClinVar variation 941744 (VCV000941744.7), dbSNP rs756119057, ClinGen allele CA320142783.

ClinVar aggregate classification (germline): Uncertain significance (1 of 4 stars; one submission).

Conditions:
Immunodeficiency 28 (IMD28). Also called: IFNGR2 DEFICIENCY. Identifiers: Orphanet 319547, Orphanet 319574, MedGen C4013947, MONDO:0013953, OMIM 614889.

Allele frequency attached by ClinVar (database versions not stated): gnomAD exomes 0.00002 and 0.00005; TOPMed 0.00010; gnomAD 0.00021.

Submission:

Labcorp Genetics (formerly Invitae), Labcorp
Classification: Uncertain significance for Immunodeficiency 28. Last evaluated: 2022-10-24. Review status: criteria provided, single submitter. Criteria: Invitae Variant Classification Sherloc (09022015). Collection method: clinical testing. Allele origin: germline.
Comment: This sequence change replaces methionine, which is neutral and non-polar, with valine, which is neutral and non-polar, at codon 107 of the IFNGR2 protein (p.Met107Val). This variant is present in population databases (rs756119057, gnomAD 0.03%). This variant has not been reported in the literature in individuals affected with IFNGR2-related conditions. ClinVar contains an entry for this variant (Variation ID: 941744). Advanced modeling of protein sequence and biophysical properties (such as structural, functional, and spatial information, amino acid conservation, physicochemical variation, residue mobility, and thermodynamic stability) performed at Invitae indicates that this missense variant is not expected to disrupt IFNGR2 protein function. In summary, the available evidence is currently insufficient to determine the role of this variant in disease. Therefore, it has been classified as a Variant of Uncertain Significance.